The following is an entry in ClinVar:

ClinVar aggregate classification (germline): Uncertain significance (1 of 4 stars; one submission).

Conditions:
Norman-Roberts syndrome (LIS2). Also called: Lissencephaly 2 (Norman-Roberts type). Identifiers: Orphanet 89844, MedGen C0796089, MONDO:0009760, OMIM 257320.
Familial temporal lobe epilepsy 7. Identifiers: Orphanet 101046, MedGen C4225327, MONDO:0014639, OMIM 616436.

Allele frequency attached by ClinVar (database versions not stated): gnomAD exomes below 0.00001; gnomAD 0.00001.
gnomAD v4.1: 4 of 1,613,954 alleles (0.00025%); highest among the groups gnomAD compares: South Asian, 0.0011%; no homozygotes.

Submission:

Labcorp Genetics (formerly Invitae), Labcorp
Classification: Uncertain significance for Familial temporal lobe epilepsy 7; Norman-Roberts syndrome. Last evaluated: 2025-10-01. Review status: criteria provided, single submitter. Criteria: Invitae Variant Classification Sherloc (09022015). Collection method: clinical testing. Allele origin: germline.
Comment: This sequence change replaces valine, which is neutral and non-polar, with alanine, which is neutral and non-polar, at codon 2534 of the RELN protein (p.Val2534Ala). This variant is present in population databases (no rsID available, gnomAD 0.002%). This variant has not been reported in the literature in individuals affected with RELN-related conditions. ClinVar contains an entry for this variant (Variation ID: 2923042). Invitae Evidence Modeling of protein sequence and biophysical properties (such as structural, functional, and spatial information, amino acid conservation, physicochemical variation, residue mobility, and thermodynamic stability) indicates that this missense variant is not expected to disrupt RELN protein function with a negative predictive value of 80%. In summary, the available evidence is currently insufficient to determine the role of this variant in disease. Therefore, it has been classified as a Variant of Uncertain Significance.

NM_005045.4(RELN):c.7601T>C (p.Val2534Ala)

Gene: RELN (reelin; minus strand). Cytogenetic location: 7q22.1.
Variant type: single nucleotide variant.
Coding change: c.7601T>C on transcript NM_005045.4 (MANE Select); coding-DNA position 7601, T replaced by C.
Protein change: p.Val2534Ala; replaces valine 2534 with alanine.
Molecular consequence: missense variant.
Genome position (GRCh38, 1-based): chr7:103,522,089, A>G on the plus strand (T>C on the coding strand, the complement: RELN is on the minus strand). VCF-style: chr7-103522089-A-G. GRCh37 (hg19) VCF-style: chr7-103162536-A-G.
Other names: c.7601T>C, p.Val2534Ala (NM_173054.3); short protein forms V2534A.
Identifiers: ClinVar variation 2923042 (VCV002923042.3), dbSNP rs1295642260, ClinGen allele CA368766976.